The following is an entry in ClinVar:

NM_024675.4(PALB2):c.3473A>G (p.His1158Arg)

Gene: PALB2 (partner and localizer of BRCA2; minus strand). Cytogenetic location: 16p12.2.
Variant type: single nucleotide variant.
Coding change: c.3473A>G on transcript NM_024675.4 (MANE Select); coding-DNA position 3473, A replaced by G.
Protein change: p.His1158Arg; replaces histidine 1158 with arginine.
Molecular consequence: missense variant.
Genome position (GRCh38, 1-based): chr16:23,603,547, T>C on the plus strand (A>G on the coding strand, the complement: PALB2 is on the minus strand). VCF-style: chr16-23603547-T-C. GRCh37 (hg19) VCF-style: chr16-23614868-T-C.
Other names: short protein forms H1158R.
Identifiers: ClinVar variation 216756 (VCV000216756.25), dbSNP rs45505500, ClinGen allele CA338566.

ClinVar aggregate classification (germline): Conflicting classifications of pathogenicity. Review status: criteria provided, conflicting classifications (1 of 4 stars). 9 submissions from 9 submitters: Uncertain significance (6); Likely benign (2). 1 of the submissions does not count toward it. Last evaluated 2025-05-28.

Conditions:
PALB2-related disorder. Also called: PALB2-related disorders; PALB2-related condition.
Breast and/or ovarian cancer. Identifiers: MedGen CN221562.
Hereditary cancer-predisposing syndrome. Also called: Neoplastic Syndromes, Hereditary; Tumor predisposition; Hereditary Cancer Syndrome; Hereditary neoplastic syndrome. Identifiers: Orphanet 140162, MedGen C0027672, MeSH D009386, MONDO:0015356.
Familial cancer of breast. Also called: hereditary breast carcinoma; BREAST CANCER, FAMILIAL; Hereditary breast cancer. Identifiers: Orphanet 227535, MedGen C0346153, MONDO:0016419, OMIM 114480. Disease mechanism: loss of function.

Allele frequency attached by ClinVar (database versions not stated): gnomAD exomes 0.00001; gnomAD 0.00002 and 0.00003; TOPMed 0.00004; ExAC 0.00001.
gnomAD v4.1: 22 of 1,613,882 alleles (0.0014%); highest among the groups gnomAD compares: African/African-American, 0.004%; no homozygotes.

Submissions (9):

PreventionGenetics, part of Exact Sciences
Classification: Uncertain significance for PALB2-related condition. Last evaluated: 2025-05-28. Review status: criteria provided, single submitter. Criteria: ACMG Guidelines, 2015. Collection method: clinical testing. Allele origin: germline.
Comment: The PALB2 c.3473A>G variant is predicted to result in the amino acid substitution p.His1158Arg. This variant has been reported in both controls and individuals with breast cancer (Rahman et al. 2007. PubMed ID: 17200668; Tung et al. 2015. PubMed ID: 25186627; Dorling et al. 2021. PubMed ID: 33471991). This variant is reported in 0.0040% of alleles in individuals of African descent in gnomAD. This variant has interpretations of uncertain significance and likely benign in ClinVar. At this time, the clinical significance of this variant is uncertain due to the absence of conclusive functional and genetic evidence.

Myriad Genetics, Inc.
Classification: Likely benign for Familial cancer of breast. Last evaluated: 2025-01-22. Review status: criteria provided, single submitter. Criteria: Myriad Autosomal Dominant, Autosomal Recessive and X-Linked Classification Criteria (2023). Collection method: clinical testing. Allele origin: unknown.
Comment: This variant is considered likely benign. This variant is strongly associated with less severe personal and family histories of cancer, typical for individuals without pathogenic variants in this gene [PMID: 25085752].

Labcorp Genetics (formerly Invitae), Labcorp
Classification: Uncertain significance for Familial cancer of breast. Last evaluated: 2024-12-24. Review status: criteria provided, single submitter. Criteria: Invitae Variant Classification Sherloc (09022015). Collection method: clinical testing. Allele origin: germline.
Comment: This sequence change replaces histidine, which is basic and polar, with arginine, which is basic and polar, at codon 1158 of the PALB2 protein (p.His1158Arg). This variant is present in population databases (rs45505500, gnomAD 0.004%). This missense change has been observed in individual(s) with breast cancer (PMID: 17200668). ClinVar contains an entry for this variant (Variation ID: 216756). An algorithm developed to predict the effect of missense changes on protein structure and function (PolyPhen-2) suggests that this variant¬†is likely to be tolerated. In summary, the available evidence is currently insufficient to determine the role of this variant in disease. Therefore, it has been classified as a Variant of Uncertain Significance.

GeneDx
Classification: Uncertain significance. Last evaluated: 2024-10-13. Review status: criteria provided, single submitter. Criteria: GeneDx Variant Classification Process June 2021. Collection method: clinical testing. Allele origin: germline. Affected: yes.
Comment: Not observed at significant frequency in large population cohorts (gnomAD); In silico analysis indicates that this missense variant does not alter protein structure/function; This variant is associated with the following publications: (PMID: 24485656, 19609323, 20871615, 17200668, 33471991, 25186627)

Color Diagnostics, LLC DBA Color Health
Classification: Uncertain significance for Hereditary cancer-predisposing syndrome. Last evaluated: 2024-06-04. Review status: criteria provided, single submitter. Criteria: ACMG Guidelines, 2015. Collection method: clinical testing. Allele origin: germline.
Comment: This missense variant replaces histidine with arginine at codon 1158 of the PALB2 protein. Computational prediction suggests that this variant may not impact protein structure and function. To our knowledge, functional studies have not been performed for this variant. This variant has been reported in two individuals affected with breast cancer (PMID: 17200668, 25186627) and in a breast cancer case-control meta-analysis in 0/60466 cases and 2/53461 unaffected individuals (PMID: 33471991; Leiden Open Variation Database DB-ID PALB2_010287). This variant has also been identified in 4/282838 chromosomes in the general population by the Genome Aggregation Database (gnomAD). The available evidence is insufficient to determine the role of this variant in disease conclusively. Therefore, this variant is classified as a Variant of Uncertain Significance.

Quest Diagnostics Nichols Institute San Juan Capistrano
Classification: Uncertain significance. Last evaluated: 2024-04-17. Review status: criteria provided, single submitter. Criteria: Quest Diagnostics criteria. Collection method: clinical testing. Allele origin: unknown.
Comment: The PALB2 c.3473A>G (p.His1158Arg) variant has been reported in the published literature in individuals with breast cancer (PMIDs: 25186627 (2015), 17200668 (2007)), as well as in a reportedly healthy individual (PMID: 33471991 (2021), see also LOVD). The frequency of this variant in the general population, 0.000023 (3/129164 chromosomes (Genome Aggregation Database)), is uninformative in the assessment of its pathogenicity. Analysis of this variant using bioinformatics tools for the prediction of the effect of amino acid changes on protein structure and function yielded predictions that this variant is benign. Based on the available information, we are unable to determine the clinical significance of this variant.

Ambry Genetics
Classification: Likely benign for Hereditary cancer-predisposing syndrome. Last evaluated: 2024-03-12. Review status: criteria provided, single submitter. Criteria: Ambry Variant Classification Scheme 2023. Collection method: clinical testing. Allele origin: germline.

CHEO Genetics Diagnostic Laboratory, Children's Hospital of Eastern Ontario
Classification: Uncertain significance for Breast and/or ovarian cancer. Last evaluated: 2020-05-11. Review status: criteria provided, single submitter. Criteria: ACMG Guidelines, 2015. Collection method: clinical testing. Allele origin: germline.

Leiden Open Variation Database
Classification: Uncertain significance for Familial cancer of breast. Last evaluated: 2019-05-13. Review status: no assertion criteria provided. Collection method: curation. Allele origin: germline. Affected: yes. Not counted in ClinVar's aggregate classification.
Comment: Curators: Marc Tischkowitz, Arleen D. Auerbach. Submitter to LOVD: Marc Tischkowitz.

Literature cited by the submitters: PubMed 25085752 (cited by Myriad Genetics, Inc.); PubMed 17200668 (cited by 3 submitters); PubMed 25186627 (cited by 4 submitters); PubMed 33471991 (cited by Color Diagnostics, LLC DBA Color Health and Quest Diagnostics Nichols Institute San Juan Capistrano).